The following is an entry in ClinVar:

NM_001040142.2(SCN2A):c.4303C>T (p.Arg1435Ter)

Gene: SCN2A (sodium voltage-gated channel alpha subunit 2; plus strand). Cytogenetic location: 2q24.3.
Variant type: single nucleotide variant.
Coding change: c.4303C>T on transcript NM_001040142.2 (MANE Select); coding-DNA position 4303, C replaced by T.
Protein change: p.Arg1435Ter; replaces arginine 1435 with a stop codon.
Molecular consequence: nonsense.
Genome position (GRCh38, 1-based): chr2:165,377,645, C>T. VCF-style: chr2-165377645-C-T. GRCh37 (hg19) VCF-style: chr2-166234155-C-T.
Other names: c.4303C>T, p.Arg1435Ter (NM_001040143.2, NM_001371246.1, NM_001371247.1 and 1 more transcripts); short protein forms R1435*.
Identifiers: ClinVar variation 419721 (VCV000419721.31), dbSNP rs796053138, ClinGen allele CA16617269.

ClinVar aggregate classification (germline): Pathogenic/Likely pathogenic. Review status: criteria provided, multiple submitters, no conflicts (2 of 4 stars). 14 submissions from 14 submitters: Pathogenic (9); Likely pathogenic (3). 2 of the submissions do not count toward it. Last evaluated 2025-06-15.

Conditions:
Developmental and epileptic encephalopathy. Identifiers: MedGen C5779964, MONDO:0100620.
Seizure. Also called: Seizures. Identifiers: MedGen C0036572, HP:0001250.
SCN2A-related disorder. Also called: SCN2A-related disorders; SCN2A-related condition. Identifiers: MedGen CN382226, MONDO:1060245.
Developmental and epileptic encephalopathy, 11 (DEE11). Also called: Early infantile epileptic encephalopathy 11. Identifiers: Orphanet 1934, MedGen C3150987, MONDO:0013388, OMIM 613721.
Seizures, benign familial infantile, 3 (BFIS3). Also called: CONVULSIONS, BENIGN FAMILIAL INFANTILE, 3; Familial neonatal seizures. Identifiers: Orphanet 140927, Orphanet 306, MedGen C1843140, MONDO:0011904, OMIM 607745.
Inborn genetic diseases. Identifiers: MedGen C0950123, MeSH D030342.
Complex neurodevelopmental disorder. Identifiers: Orphanet 528084, MedGen C5568766, MONDO:0100038.
Intellectual disability. Also called: Intellectual functioning disability; intellectual disabilities; Intellectual developmental disorder. Identifiers: MedGen C3714756, MeSH D008607, MONDO:0001071, HP:0001249.

Submissions (14):

Victorian Clinical Genetics Services, Murdoch Childrens Research Institute
Classification: Pathogenic for Complex neurodevelopmental disorder. Last evaluated: 2025-06-15. Review status: criteria provided, single submitter. Criteria: ACMG Guidelines, 2015. Collection method: clinical testing. Allele origin: germline. Affected: yes.
Comment: This variant is classified as Pathogenic. Evidence in support of pathogenic classification: Variant is predicted to cause nonsense-mediated decay (NMD) and loss of protein (premature termination codon is located at least 54 nucleotides upstream of the final exon-exon junction); Variant is absent from gnomAD (v2, v3 and v4); This variant has strong previous evidence of pathogenicity in unrelated individuals. This variant has been classified as likely pathogenic and pathogenic by multiple clinical laboratories in ClinVar. - Other NMD-predicted variant(s) comparable to the one identified in this case have very strong previous evidence for pathogenicity (DECIPHER); Additional information: This variant is heterozygous; This gene is associated with autosomal dominant disease; Loss of function and gain of function are known mechanisms of disease in this gene. Variants causing a gain of function result in developmental and epileptic encephalopathy 11 (MIM#613721) or benign familial infantile seizures 3 (MIM#607745), whereas variants causing loss of function result in autism spectrum disorder and/or intellectual disability, with or without childhood-onset seizures (OMIM, PMIDs: 29691040, 31904126); Variants in this gene are known to have variable expressivity (OMIM).

Cytogénomique, Hospices Civils de Lyon
Classification: Pathogenic for Seizure. Last evaluated: 2025-02-24. Review status: criteria provided, single submitter. Criteria: ACMG Guidelines, 2015. Collection method: clinical testing. Allele origin: unknown. Affected: yes.

Labcorp Genetics (formerly Invitae), Labcorp
Classification: Pathogenic for Seizures, benign familial infantile, 3; Developmental and epileptic encephalopathy, 11. Last evaluated: 2024-10-14. Review status: criteria provided, single submitter. Criteria: Invitae Variant Classification Sherloc (09022015). Collection method: clinical testing. Allele origin: germline.
Comment: This sequence change creates a premature translational stop signal (p.Arg1435*) in the SCN2A gene. It is expected to result in an absent or disrupted protein product. Loss-of-function variants in SCN2A are known to be pathogenic (PMID: 28379373). This variant is not present in population databases (gnomAD no frequency). This premature translational stop signal has been observed in individual(s) with autism spectrum disorders, severe intellectual disability, and/or seizures (PMID: 26993267, 28379373). In at least one individual the variant was observed to be de novo. ClinVar contains an entry for this variant (Variation ID: 419721). Algorithms developed to predict the effect of sequence changes on RNA splicing suggest that this variant may disrupt the consensus splice site. For these reasons, this variant has been classified as Pathogenic.

Ambry Genetics
Classification: Pathogenic for Inborn genetic diseases. Last evaluated: 2024-02-16. Review status: criteria provided, single submitter. Criteria: Ambry Variant Classification Scheme 2023. Collection method: clinical testing. Allele origin: germline.
Comment: The c.4303C>T (p.R1435*) alteration, located in exon 23 (coding exon 22) of the SCN2A gene, consists of a C to T substitution at nucleotide position 4303. This changes the amino acid from an arginine (R) to a stop codon at amino acid position 1435. This alteration is expected to result in loss of function by premature protein truncation or nonsense-mediated mRNA decay. _x000D_ _x000D_ for autosomal dominant SCN2A-related neurodevelopmental disorder; however, its clinical significance for autosomal dominant SCN2A-related developmental and epileptic encephalopathy and autosomal dominant SCN2A-related benign familial infantile seizures is uncertain. This variant was not reported in population-based cohorts in the Genome Aggregation Database (gnomAD). This alteration has been reported in multiple individuals with features consistent with SCN2A-related neurodevelopmental disorder, including multiple cases of reported de novo occurrence (Trump, 2016; Wolff, 2017; Fern&aacute;ndez-Marmiesse, 2019; Zeng, 2022; Gowda, 2023). Based on the available evidence, this alteration is classified as pathogenic.

Blueprint Genetics
Classification: Pathogenic for SCN2A-related disorders. Last evaluated: 2023-12-22. Review status: criteria provided, single submitter. Criteria: ACMG Guidelines, 2015. Collection method: clinical testing. Allele origin: de novo. Affected: yes. Observed: 1 variant allele.

3billion
Classification: Pathogenic for Developmental and epileptic encephalopathy, 11. Last evaluated: 2023-08-29. Review status: criteria provided, single submitter. Criteria: ACMG Guidelines, 2015. Collection method: clinical testing. Allele origin: germline. Affected: yes.
Comment: The variant is not observed in the gnomAD v2.1.1 dataset. Predicted Consequence/Location: Stop-gained (nonsense): predicted to result in a loss or disruption of normal protein function through nonsense-mediated decay (NMD) or protein truncation. Multiple pathogenic variants are reported downstream of the variant. The variant has been reported at least twice as pathogenic with clinical assertions and evidence for the classification (ClinVar ID: VCV000419721 /PMID: 26993267). Therefore, this variant is classified as Pathogenic according to the recommendation of ACMG/AMP guideline.

GeneDx
Classification: Pathogenic. Last evaluated: 2023-07-24. Review status: criteria provided, single submitter. Criteria: GeneDx Variant Classification Process June 2021. Collection method: clinical testing. Allele origin: germline. Affected: yes.
Comment: Not observed at significant frequency in large population cohorts (gnomAD); Nonsense variant predicted to result in protein truncation or nonsense mediated decay in a gene for which loss of function is a known mechanism of disease; This variant is associated with the following publications: (PMID: 28379373, 30564305, 31780880, 32090326, 28191889, 33004838, 30813884, 26993267, Gowda2021[Case Report], 31440721, 35431799)

Revvity Omics, Revvity
Classification: Pathogenic. Last evaluated: 2021-10-04. Review status: criteria provided, single submitter. Criteria: ACMG Guidelines, 2015. Collection method: clinical testing. Allele origin: germline.

Institute of Medical Genetics and Applied Genomics, University Hospital Tübingen
Classification: Pathogenic. Last evaluated: 2020-10-23. Review status: criteria provided, single submitter. Criteria: ACMG Guidelines, 2015. Collection method: clinical testing. Allele origin: germline. Inheritance: Unknown mechanism. Affected: yes.

Diagnostic Laboratory, Strasbourg University Hospital
Classification: Likely pathogenic for Intellectual disability. Last evaluated: 2020-04-20. Review status: criteria provided, single submitter. Criteria: ACMG Guidelines, 2015. Collection method: clinical testing. Allele origin: de novo. Inheritance: Autosomal dominant inheritance. Affected: yes. Observed: 1 heterozygote.

NeuroMeGen, Hospital Clinico Santiago de Compostela
Classification: Likely pathogenic for Developmental and epileptic encephalopathy, 11. Last evaluated: 2018-01-01. Review status: criteria provided, single submitter. Criteria: ACMG Guidelines, 2015. Collection method: clinical testing. Allele origin: unknown. Affected: yes. Observed: 1 heterozygote.

Equipe Genetique des Anomalies du Developpement, Université de Bourgogne
Classification: Likely pathogenic for Developmental and epileptic encephalopathy, 11. Last evaluated: 2017-09-13. Review status: criteria provided, single submitter. Criteria: ACMG Guidelines, 2015. Collection method: clinical testing. Allele origin: de novo. Affected: yes. Study: Clinvar_gadteam_Clinical_exome_analysis_3.

PreventionGenetics, part of Exact Sciences
Classification: Pathogenic for SCN2A-related condition. Last evaluated: 2024-03-28. Review status: no assertion criteria provided. Collection method: clinical testing. Allele origin: germline. Not counted in ClinVar's aggregate classification.
Comment: The SCN2A c.4303C>T variant is predicted to result in premature protein termination (p.Arg1435*). This is a recurrent de novo variant that has been reported in multiple patients with SCN2A related autosomal dominant disorders (Trump et al. 2016. PubMed ID: 26993267; Wolff et al. 2017. PubMed ID: 28379373; Additional File 5 Data 2, Guo et al. 2018. PubMed ID: 30564305; Fernández-Marmiesse et al. 2019. PubMed ID: 31780880). This variant has not been reported in a large population database, indicating it is rare. Nonsense variants in SCN2A are expected to be pathogenic. This variant is interpreted as pathogenic.

Neurology Department, Shenzhen Children's Hospital
Classification: Pathogenic for Developmental and epileptic encephalopathy. Last evaluated: 2022-02-16. Review status: no assertion criteria provided. Collection method: clinical testing. Allele origin: de novo. Affected: yes. Not counted in ClinVar's aggregate classification.

Literature cited by the submitters: PubMed 31904126 (cited by Victorian Clinical Genetics Services, Murdoch Childrens Research Institute and Ambry Genetics); PubMed 29691040 (cited by Victorian Clinical Genetics Services, Murdoch Childrens Research Institute); PubMed 28379373 (cited by Labcorp Genetics (formerly Invitae), Labcorp and Ambry Genetics); PubMed 26993267 (cited by 3 submitters); PubMed 31780880 (cited by Ambry Genetics); PubMed 35431799 (cited by Ambry Genetics); PubMed 36684540 (cited by Ambry Genetics).